The following is an entry in ClinVar:

NM_000208.4(INSR):c.3138C>A (p.Ile1046=)

Gene: INSR (insulin receptor; minus strand). Cytogenetic location: 19p13.2.
Variant type: single nucleotide variant.
Coding change: c.3138C>A on transcript NM_000208.4 (MANE Select); coding-DNA position 3138, C replaced by A.
Protein change: p.Ile1046=; no amino-acid change (isoleucine 1046 retained).
Molecular consequence: synonymous variant.
Genome position (GRCh38, 1-based): chr19:7,125,403, G>T on the plus strand (C>A on the coding strand, the complement: INSR is on the minus strand). VCF-style: chr19-7125403-G-T. GRCh37 (hg19) VCF-style: chr19-7125414-G-T.
Other names: c.3102C>A, p.Ile1034= (NM_001079817.3); c.3138C>A (NM_000208.3).
Identifiers: ClinVar variation 1928260 (VCV001928260.7), dbSNP rs547894016, ClinGen allele CA9135353.

ClinVar aggregate classification (germline): Benign/Likely benign. Review status: criteria provided, multiple submitters, no conflicts (2 of 4 stars). 3 submissions from 3 submitters: Benign (1); Likely benign (2). Last evaluated 2026-06-30.

Conditions:
INSR-related disorder.

Allele frequency attached by ClinVar (database versions not stated): TOPMed 0.00001; gnomAD 0.00006; gnomAD exomes 0.00012; 1000 Genomes Project 30x 0.00016; 1000 Genomes Project 0.00020; ExAC 0.00026.
gnomAD v4.1: 177 of 1,614,148 alleles (0.011%); highest among the groups gnomAD compares: South Asian, 0.19%; 2 homozygotes.

Submissions (3):

PreventionGenetics, part of Exact Sciences
Classification: Likely benign for INSR-related condition. Last evaluated: 2026-06-30. Review status: criteria provided, single submitter. Criteria: ACMG Guidelines, 2015. Collection method: clinical testing. Allele origin: germline.
Comment: This variant is classified as likely benign based on ACMG/AMP sequence variant interpretation guidelines (Richards et al. 2015 PMID: 25741868, with internal and published modifications).

Labcorp Genetics (formerly Invitae), Labcorp
Classification: Benign. Last evaluated: 2025-02-11. Review status: criteria provided, single submitter. Criteria: Invitae Variant Classification Sherloc (09022015). Collection method: clinical testing. Allele origin: germline.

Blueprint Genetics
Classification: Likely benign. Last evaluated: 2024-07-02. Review status: criteria provided, single submitter. Criteria: ACMG Guidelines, 2015. Collection method: clinical testing. Allele origin: germline.